The following is an entry in ClinVar:

ClinVar aggregate classification (germline): Uncertain significance (1 of 4 stars; one submission).

gnomAD v4.1: 5 of 1,613,688 alleles (0.00031%); highest among the groups gnomAD compares: African/African-American, 0.0013%; no homozygotes.

Submission:

Labcorp Genetics (formerly Invitae), Labcorp
Classification: Uncertain significance. Last evaluated: 2024-09-30. Review status: criteria provided, single submitter. Criteria: Invitae Variant Classification Sherloc (09022015). Collection method: clinical testing. Allele origin: germline.
Comment: This sequence change replaces arginine, which is basic and polar, with glutamine, which is neutral and polar, at codon 668 of the APPL1 protein (p.Arg668Gln). This variant is present in population databases (rs762717192, gnomAD 0.002%). This variant has not been reported in the literature in individuals affected with APPL1-related conditions. An algorithm developed to predict the effect of missense changes on protein structure and function (PolyPhen-2) suggests that this variant is likely to be disruptive. In summary, the available evidence is currently insufficient to determine the role of this variant in disease. Therefore, it has been classified as a Variant of Uncertain Significance.

NM_012096.3(APPL1):c.2003G>A (p.Arg668Gln)

Genes: APPL1 (adaptor protein, phosphotyrosine interacting with PH domain and leucine zipper 1; plus strand), ASB14 (ankyrin repeat and SOCS box containing 14; minus strand). Cytogenetic location: 3p14.3.
Variant type: single nucleotide variant.
Coding change: c.2003G>A on transcript NM_012096.3 (MANE Select); coding-DNA position 2003, G replaced by A.
Protein change: p.Arg668Gln; replaces arginine 668 with glutamine.
Molecular consequence: missense variant. On other transcripts: 3 prime UTR variant (2).
Genome position (GRCh38, 1-based): chr3:57,269,560, G>A. VCF-style: chr3-57269560-G-A. GRCh37 (hg19) VCF-style: chr3-57303588-G-A.
Other names: c.*81C>T (NM_001142733.3, NM_130387.5); short protein forms R668Q.
Identifiers: ClinVar variation 3696345 (VCV003696345.2).